The following is an entry in ClinVar:

ClinVar aggregate classification (germline): Pathogenic (1 of 4 stars; one submission).

Submission:

Labcorp Genetics (formerly Invitae), Labcorp
Classification: Pathogenic. Last evaluated: 2021-11-20. Review status: criteria provided, single submitter. Criteria: Invitae Variant Classification Sherloc (09022015). Collection method: clinical testing. Allele origin: germline.
Comment: For these reasons, this variant has been classified as Pathogenic. This variant has not been reported in the literature in individuals affected with NPHS1-related conditions. This variant is not present in population databases (gnomAD no frequency). This sequence change creates a premature translational stop signal (p.Val590Argfs*82) in the NPHS1 gene. It is expected to result in an absent or disrupted protein product. Loss-of-function variants in NPHS1 are known to be pathogenic (PMID: 11317351, 11854170, 12039988).

Literature cited by the submitters: PubMed 11317351; PubMed 11854170; PubMed 12039988.

NM_004646.4(NPHS1):c.1768_1772del (p.Val590fs)

Gene: NPHS1 (NPHS1 adhesion molecule, nephrin; minus strand). Cytogenetic location: 19q13.12.
Variant type: Deletion.
Coding change: c.1768_1772del on transcript NM_004646.4 (MANE Select); coding-DNA positions 1768 to 1772, 5 bases deleted (GTGGC; older notation c.1768_1772delGTGGC).
Protein change: p.Val590fs; shifts the reading frame from valine 590.
Molecular consequence: frameshift variant.
Genome position (GRCh38, 1-based): chr19:35,845,526-35,845,530, GCCAC deleted on the plus strand (GTGGC on the coding strand, the reverse complement: NPHS1 is on the minus strand); deleting any 5 consecutive bases within chr19:35,845,526-35,845,533 gives the same sequence; the c. name uses the placement nearest the transcript's 3' end. VCF-style (leftmost placement, unchanged base first): chr19-35845525-GGCCAC-G. GRCh37 (hg19) VCF-style: chr19-36336427-GGCCAC-G.
Other names: short protein forms V590fs.
Identifiers: ClinVar variation 1361511 (VCV001361511.7), dbSNP rs2146823441, ClinGen allele CA2573156275.
Genomic context (GRCh38, chr19:35,845,525, plus strand): 5'-TTGCAGAAGGACGCTCCTGGCGGCGGCGGAGCCTTTGAATGGGGCTCTCCGGGGTGGGGC[GGCCAC>G]GCCCTCCAGCCTGTGGAACCGGGGTCAAGCCAGGGCTGCGAGCGGAGCCAGAGGCTGGAG-3'